The following is an entry in ClinVar:

NM_015259.6(ICOSLG):c.293T>G (p.Leu98Arg)

Gene: ICOSLG (inducible T cell costimulator ligand; minus strand). Cytogenetic location: 21q22.3.
Variant type: single nucleotide variant.
Coding change: c.293T>G on transcript NM_015259.6 (MANE Select); coding-DNA position 293, T replaced by G.
Protein change: p.Leu98Arg; replaces leucine 98 with arginine.
Molecular consequence: missense variant. On other transcripts: intron variant (1).
Genome position (GRCh38, 1-based): chr21:44,236,980, A>C on the plus strand (T>G on the coding strand, the complement: ICOSLG is on the minus strand). VCF-style: chr21-44236980-A-C. GRCh37 (hg19) VCF-style: chr21-45656863-A-C.
Other names: c.293T>G, p.Leu98Arg (NM_001283050.2); c.38T>G, p.Leu13Arg (NM_001283052.2); c.212T>G, p.Leu71Arg (NM_001365759.2); c.56-1418T>G (NM_001283051.2); short protein forms L13R, L71R, L98R.
Identifiers: ClinVar variation 1476970 (VCV001476970.8), dbSNP rs903468989, ClinGen allele CA410616115.

ClinVar aggregate classification (germline): Uncertain significance (1 of 4 stars; one submission).

Submission:

Labcorp Genetics (formerly Invitae), Labcorp
Classification: Uncertain significance. Last evaluated: 2022-02-05. Review status: criteria provided, single submitter. Criteria: Invitae Variant Classification Sherloc (09022015). Collection method: clinical testing. Allele origin: germline.
Comment: This sequence change replaces leucine, which is neutral and non-polar, with arginine, which is basic and polar, at codon 98 of the ICOSLG protein (p.Leu98Arg). This variant is not present in population databases (gnomAD no frequency). In summary, the available evidence is currently insufficient to determine the role of this variant in disease. Therefore, it has been classified as a Variant of Uncertain Significance. Algorithms developed to predict the effect of missense changes on protein structure and function are either unavailable or do not agree on the potential impact of this missense change (SIFT: "Deleterious"; PolyPhen-2: "Probably Damaging"; Align-GVGD: "Class C0"). This variant has not been reported in the literature in individuals affected with ICOSLG-related conditions.